The following is an entry in ClinVar:

NM_138420.4(AHNAK2):c.2091G>A (p.Ser697=)

Gene: AHNAK2 (AHNAK nucleoprotein 2; minus strand). Cytogenetic location: 14q32.33.
Variant type: single nucleotide variant.
Coding change: c.2091G>A on transcript NM_138420.4 (MANE Select); coding-DNA position 2091, G replaced by A.
Protein change: p.Ser697=; no amino-acid change (serine 697 retained).
Molecular consequence: synonymous variant.
Genome position (GRCh38, 1-based): chr14:104,953,360, C>T on the plus strand (G>A on the coding strand, the complement: AHNAK2 is on the minus strand). VCF-style: chr14-104953360-C-T. GRCh37 (hg19) VCF-style: chr14-105419697-C-T.
Other names: c.1791G>A, p.Ser597= (NM_001350929.2).
Identifiers: ClinVar variation 2644887 (VCV002644887.24), dbSNP rs188074688, ClinGen allele CA7383647.
Genomic context (GRCh38, chr14:104,953,360, plus strand): 5'-GTCCCCCTGCATGGAGAGGAGGCTCACGTCGGCCTCCACCTTCGGCGCAGACACATCCAC[C>T]GAGGCCTCCATGGACTTGCCTGGGGCTGACGCCCCGAACAATGGCATCTTGAACTTGGGC-3'
Protein context (NP_612429.2, residues 687-707): ASAPGKSMEA[Ser697=]VDVSAPKVEA

ClinVar aggregate classification (germline): Benign (1 of 4 stars; one submission).

Allele frequency attached by ClinVar (database versions not stated): ESP Exome Variant Server 0.00156; 1000 Genomes Project 0.00180; 1000 Genomes Project 30x 0.00187.
gnomAD v4.1: 426 of 1,613,800 alleles (0.026%); highest among the groups gnomAD compares: African/African-American, 0.51%; 1 homozygote.

Submission:

CeGaT Center for Human Genetics Tuebingen
Classification: Benign. Last evaluated: 2022-03-01. Review status: criteria provided, single submitter. Criteria: CeGaT Center For Human Genetics Tuebingen Variant Classification Criteria Version 2. Collection method: clinical testing. Allele origin: germline. Affected: yes. Observed: 1 variant allele.
Comment: AHNAK2: BS1, BS2